The following is an entry in ClinVar:

ClinVar aggregate classification (germline): Uncertain significance (1 of 4 stars; one submission).

Submission:

CeGaT Center for Human Genetics Tuebingen
Classification: Uncertain significance. Last evaluated: 2025-05-01. Review status: criteria provided, single submitter. Criteria: CeGaT Center For Human Genetics Tuebingen Variant Classification Criteria Version 2. Collection method: clinical testing. Allele origin: germline. Affected: yes. Observed: 1 variant allele.
Comment: PRRT2: PM2, BP4

NM_145239.3(PRRT2):c.294C>A (p.Asn98Lys)

Genes: MVP-DT (MVP divergent transcript; minus strand), PRRT2 (proline rich transmembrane protein 2; plus strand). Cytogenetic location: 16p11.2.
Variant type: single nucleotide variant.
Coding change: c.294C>A on transcript NM_145239.3 (MANE Select); coding-DNA position 294, C replaced by A.
Protein change: p.Asn98Lys; replaces asparagine 98 with lysine.
Molecular consequence: missense variant.
Genome position (GRCh38, 1-based): chr16:29,813,348, C>A. VCF-style: chr16-29813348-C-A. GRCh37 (hg19) VCF-style: chr16-29824669-C-A.
Other names: c.294C>A, p.Asn98Lys (NM_001256442.2, NM_001256443.2); short protein forms N98K.
Identifiers: ClinVar variation 3905938 (VCV003905938.10).